The following is an entry in ClinVar:

NM_005732.4(RAD50):c.2645A>G (p.Gln882Arg)

Gene: RAD50 (RAD50 double strand break repair protein; plus strand). Cytogenetic location: 5q31.1.
Variant type: single nucleotide variant.
Coding change: c.2645A>G on transcript NM_005732.4 (MANE Select); coding-DNA position 2645, A replaced by G.
Protein change: p.Gln882Arg; replaces glutamine 882 with arginine.
Molecular consequence: missense variant.
Genome position (GRCh38, 1-based): chr5:132,604,926, A>G. VCF-style: chr5-132604926-A-G. GRCh37 (hg19) VCF-style: chr5-131940618-A-G.
Other names: c.2645A>G (NM_005732.3); short protein forms Q882R.
Identifiers: ClinVar variation 2118077 (VCV002118077.5), dbSNP rs2479668553, ClinGen allele CA360956711.

ClinVar aggregate classification (germline): Uncertain significance. Review status: criteria provided, multiple submitters, no conflicts (2 of 4 stars). 2 submissions from 2 submitters: Uncertain significance (2). Last evaluated 2024-04-12.

Conditions:
Hereditary cancer-predisposing syndrome. Also called: Neoplastic Syndromes, Hereditary; Tumor predisposition; Hereditary Cancer Syndrome; Hereditary neoplastic syndrome. Identifiers: Orphanet 140162, MedGen C0027672, MeSH D009386, MONDO:0015356.

Allele frequency attached by ClinVar (database versions not stated): gnomAD exomes below 0.00001.
gnomAD v4.1: 1 of 1,614,044 alleles (0.000062%); no homozygotes.

Submissions (2):

Ambry Genetics
Classification: Uncertain significance for Hereditary cancer-predisposing syndrome. Last evaluated: 2024-04-12. Review status: criteria provided, single submitter. Criteria: Ambry Variant Classification Scheme 2023. Collection method: clinical testing. Allele origin: germline.
Comment: The p.Q882R variant (also known as c.2645A>G), located in coding exon 16 of the RAD50 gene, results from an A to G substitution at nucleotide position 2645. The glutamine at codon 882 is replaced by arginine, an amino acid with highly similar properties. This amino acid position is conserved. In addition, the in silico prediction for this alteration is inconclusive. Based on the available evidence, the clinical significance of this variant remains unclear.

Labcorp Genetics (formerly Invitae), Labcorp
Classification: Uncertain significance for Hereditary cancer-predisposing syndrome. Last evaluated: 2022-03-27. Review status: criteria provided, single submitter. Criteria: Invitae Variant Classification Sherloc (09022015). Collection method: clinical testing. Allele origin: germline.
Comment: In summary, the available evidence is currently insufficient to determine the role of this variant in disease. Therefore, it has been classified as a Variant of Uncertain Significance. Algorithms developed to predict the effect of missense changes on protein structure and function are either unavailable or do not agree on the potential impact of this missense change (SIFT: "Tolerated"; PolyPhen-2: "Probably Damaging"; Align-GVGD: "Class C0"). This variant has not been reported in the literature in individuals affected with RAD50-related conditions. This variant is not present in population databases (gnomAD no frequency). This sequence change replaces glutamine, which is neutral and polar, with arginine, which is basic and polar, at codon 882 of the RAD50 protein (p.Gln882Arg).